The following is an entry in ClinVar:

NM_012186.3(FOXE3):c.508G>A (p.Ala170Thr)

Genes: FOXE3 (forkhead box E3; plus strand), LINC01389 (long independently transcribed non-coding RNA 1389; minus strand). Cytogenetic location: 1p33.
Variant type: single nucleotide variant.
Coding change: c.508G>A on transcript NM_012186.3 (MANE Select); coding-DNA position 508, G replaced by A.
Protein change: p.Ala170Thr; replaces alanine 170 with threonine.
Molecular consequence: missense variant.
Genome position (GRCh38, 1-based): chr1:47,416,823, G>A. VCF-style: chr1-47416823-G-A. GRCh37 (hg19) VCF-style: chr1-47882495-G-A.
Other names: short protein forms A170T.
Identifiers: ClinVar variation 2448368 (VCV002448368.6), dbSNP rs1646886328, ClinGen allele CA340250138.

ClinVar aggregate classification (germline): Uncertain significance. Review status: criteria provided, multiple submitters, no conflicts (2 of 4 stars). 2 submissions from 2 submitters: Uncertain significance (2). Last evaluated 2025-08-19.

Conditions:
Cardiovascular phenotype. Identifiers: MedGen CN230736.
Congenital primary aphakia. Also called: ANTERIOR SEGMENT DYSGENESIS 2; Anterior segment dysgenesis 2, multiple subtypes. Identifiers: Orphanet 83461, MedGen C1853230, MONDO:0012456, OMIM 610256.
Anterior segment dysgenesis. Also called: Ocular anterior segment dysgenesis. Identifiers: Orphanet 88632, MedGen C1862839, MONDO:0019503, HP:0007700.

Submissions (2):

Ambry Genetics
Classification: Uncertain significance for Cardiovascular phenotype. Last evaluated: 2025-08-19. Review status: criteria provided, single submitter. Criteria: Ambry Variant Classification Scheme 2023. Collection method: clinical testing. Allele origin: germline.
Comment: The p.A170T variant (also known as c.508G>A), located in coding exon 1 of the FOXE3 gene, results from a G to A substitution at nucleotide position 508. The alanine at codon 170 is replaced by threonine, an amino acid with similar properties. This amino acid position is conserved. In addition, this alteration is predicted to be tolerated by in silico analysis. Since supporting evidence is limited at this time, the clinical significance of this alteration remains unclear.

Labcorp Genetics (formerly Invitae), Labcorp
Classification: Uncertain significance for Anterior segment dysgenesis; Congenital primary aphakia. Last evaluated: 2023-01-21. Review status: criteria provided, single submitter. Criteria: Invitae Variant Classification Sherloc (09022015). Collection method: clinical testing. Allele origin: germline.
Comment: In summary, the available evidence is currently insufficient to determine the role of this variant in disease. Therefore, it has been classified as a Variant of Uncertain Significance. Advanced modeling of protein sequence and biophysical properties (such as structural, functional, and spatial information, amino acid conservation, physicochemical variation, residue mobility, and thermodynamic stability) performed at Invitae indicates that this missense variant is not expected to disrupt FOXE3 protein function. This variant has not been reported in the literature in individuals affected with FOXE3-related conditions. This variant is not present in population databases (gnomAD no frequency). This sequence change replaces alanine, which is neutral and non-polar, with threonine, which is neutral and polar, at codon 170 of the FOXE3 protein (p.Ala170Thr).